The following is an entry in ClinVar:

NM_000463.3(UGT1A1):c.1160_1161delinsGT (p.Pro387Arg)

Genes: UGT1A1 (UDP glucuronosyltransferase family 1 member A1; plus strand), UGT1A (UDP glucuronosyltransferase family 1 member A complex locus; plus strand), UGT1A3 (UDP glucuronosyltransferase family 1 member A3; plus strand), UGT1A4 (UDP glucuronosyltransferase family 1 member A4; plus strand), UGT1A8 (UDP glucuronosyltransferase family 1 member A8; plus strand) and 5 more. Cytogenetic location: 2q37.1.
Variant type: Indel.
Coding change: c.1160_1161delinsGT on transcript NM_000463.3 (MANE Select); coding-DNA positions 1160 to 1161, CC replaced by GT.
Protein change: p.Pro387Arg; replaces proline 387 with arginine.
Molecular consequence: missense variant.
Genome position (GRCh38, 1-based): chr2:233,768,295-233,768,296, CC replaced by GT. VCF-style: chr2-233768295-CC-GT. GRCh37 (hg19) VCF-style: chr2-234676941-CC-GT.
Other names: c.1151_1152delinsGT, p.Pro384Arg (NM_019075.4, NM_019076.5, NM_019077.3 and 1 more transcripts); c.1157_1158delinsGT, p.Pro386Arg (NM_001072.4); c.356_357delinsGT, p.Pro119Arg (NM_205862.3); c.1163_1164delinsGT, p.Pro388Arg (NM_019078.2, NM_007120.3, NM_019093.4); c.1160_1161delCCinsGT, p.Pro387Arg (NM_000463.2); c.1160_1161delinsGT (NM_000463.2); short protein forms P119R, P384R, P387R, P388R, P386R.
Identifiers: ClinVar variation 597250 (VCV000597250.8), dbSNP rs1559415403, ClinGen allele CA913189479.

ClinVar aggregate classification (germline): Likely pathogenic. Review status: criteria provided, multiple submitters, no conflicts (2 of 4 stars). 4 submissions from 4 submitters: Likely pathogenic (3). 1 of the submissions does not count toward it. Last evaluated 2025-07-23.

Conditions:
Gilbert syndrome. Also called: HYPERBILIRUBINEMIA, GILBERT TYPE; Gilbert's syndrome; HYPERBILIRUBINEMIA I; HYPERBILIRUBINEMIA, ARIAS TYPE; Gilbert Disease. Identifiers: MedGen C0017551, MONDO:0007745, OMIM 143500.
BILIRUBIN, SERUM LEVEL OF, QUANTITATIVE TRAIT LOCUS 1 (BILIQTL1). Identifiers: MedGen C1866173, OMIM 601816.
Crigler-Najjar syndrome type 1. Also called: HYPERBILIRUBINEMIA, CRIGLER-NAJJAR TYPE I. Identifiers: Orphanet 79234, MedGen C0010324, MONDO:0021020, OMIM 218800.
Lucey-Driscoll syndrome (HBLRTFN). Also called: Transient familial neonatal hyperbilirubinemia. Identifiers: Orphanet 2312, MedGen C0270210, MONDO:0009383, OMIM 237900.
Crigler-Najjar syndrome, type II. Also called: HYPERBILIRUBINEMIA, CRIGLER-NAJJAR TYPE II; Crigler Najjar syndrome, type 2; Mutation in the UDP-glucuronosyl-transferase gene. Identifiers: Orphanet 205, Orphanet 79235, MedGen C2931132, MONDO:0011725, OMIM 606785.
UGT1A1-related disorder. Also called: UGT1A1-related condition; UGT1A1-related disorders.

Submissions (4):

Labcorp Genetics (formerly Invitae), Labcorp
Classification: Likely pathogenic. Last evaluated: 2025-07-23. Review status: criteria provided, single submitter. Criteria: Invitae Variant Classification Sherloc (09022015). Collection method: clinical testing. Allele origin: germline.
Comment: This sequence change replaces proline, which is neutral and non-polar, with arginine, which is basic and polar, at codon 387 of the UGT1A1 protein (p.Pro387Arg). Information on the frequency of this variant in the gnomAD database is not available, as this variant may be reported differently in the database. This missense change has been observed in individuals with Crigler-Najjar syndrome type I (PMID: 9028453, 23290513). ClinVar contains an entry for this variant (Variation ID: 597250). An algorithm developed to predict the effect of missense changes on protein structure and function (PolyPhen-2) suggests that this variant is likely to be disruptive. Experimental studies have shown that this missense change affects UGT1A1 function (PMID: 9028453). This variant disrupts the p.Pro387 amino acid residue in UGT1A1. Other variant(s) that disrupt this residue have been observed in individuals with UGT1A1-related conditions (PMID: 15712364, 19830808, 34545702), which suggests that this may be a clinically significant amino acid residue. In summary, the currently available evidence indicates that the variant is pathogenic, but additional data are needed to prove that conclusively. Therefore, this variant has been classified as Likely Pathogenic.

Fulgent Genetics
Classification: Likely pathogenic for Gilbert syndrome; Crigler-Najjar syndrome type 1; Lucey-Driscoll syndrome; BILIRUBIN, SERUM LEVEL OF, QUANTITATIVE TRAIT LOCUS 1; Crigler-Najjar syndrome, type II. Last evaluated: 2024-01-08. Review status: criteria provided, single submitter. Criteria: ACMG Guidelines, 2015. Collection method: clinical testing. Allele origin: germline.

Eurofins Ntd Llc (ga)
Classification: Likely pathogenic. Last evaluated: 2018-05-18. Review status: criteria provided, single submitter. Criteria: EGL ClinVar v180209 classification definitions. Collection method: clinical testing. Allele origin: germline. Observed: 2 variant alleles, 2 heterozygotes.

PreventionGenetics, part of Exact Sciences
Classification: Likely pathogenic for UGT1A1-related condition. Last evaluated: 2024-08-07. Review status: no assertion criteria provided. Collection method: clinical testing. Allele origin: germline. Not counted in ClinVar's aggregate classification.
Comment: The UGT1A1 c.1160_1161delinsGT variant is predicted to result in an in-frame deletion and insertion. This variant in the homozygous or compound heterozygous state has been reported in patients with Crigler-Najjar Syndrome. In vitro experiments showed that the UGT1A1 protein with p.Pro387Arg substitution had residual activity at pH 7.6 but was fully inactive at pH 6.4 (Ciotti et al. 1997. PubMed ID: 9028453). Additionally, other substitutions at the same amino acid (p.Pro387Ser and p.Pro387His) have also been associated with Crigler-Najjar Syndrome (Servedio et al. 2005. PubMed ID: 15712364; Sneitz et al. 2010. PubMed ID: 19830808). This variant has not been reported in a large population database, indicating this variant is rare. This variant is interpreted as likely pathogenic.

Literature cited by the submitters: PubMed 9028453 (cited by Labcorp Genetics (formerly Invitae), Labcorp); PubMed 23290513 (cited by Labcorp Genetics (formerly Invitae), Labcorp); PubMed 15712364 (cited by Labcorp Genetics (formerly Invitae), Labcorp); PubMed 19830808 (cited by Labcorp Genetics (formerly Invitae), Labcorp); PubMed 34545702 (cited by Labcorp Genetics (formerly Invitae), Labcorp).